The following is an entry in ClinVar:

ClinVar aggregate classification (germline): Likely benign. Review status: criteria provided, multiple submitters, no conflicts (2 of 4 stars). 3 submissions from 3 submitters: Likely benign (2). 1 of the submissions does not count toward it. Last evaluated 2022-04-28.

Conditions:
CEBPA-related disorder. Also called: CEBPA-related condition.
Hereditary cancer-predisposing syndrome. Also called: Neoplastic Syndromes, Hereditary; Tumor predisposition; Hereditary Cancer Syndrome; Hereditary neoplastic syndrome. Identifiers: Orphanet 140162, MedGen C0027672, MeSH D009386, MONDO:0015356.
Acute myeloid leukemia (AML). Also called: Leukemia, acute myeloid, somatic; Leukemia, acute myelogenous, somatic; Acute myeloid leukemia, adult; AML adult; Acute non-lymphocytic leukemia; Acute granulocytic leukemia. Identifiers: Orphanet 519, MedGen C0023467, MeSH D015470, MONDO:0018874, OMIM 601626, HP:0004808. Disease mechanism: Constitutively activated FLT3.

Submissions (3):

Labcorp Genetics (formerly Invitae), Labcorp
Classification: Likely benign for Acute myeloid leukemia. Last evaluated: 2022-04-28. Review status: criteria provided, single submitter. Criteria: Invitae Variant Classification Sherloc (09022015). Collection method: clinical testing. Allele origin: germline.

Sema4
Classification: Likely benign for Hereditary cancer-predisposing syndrome. Last evaluated: 2021-11-22. Review status: criteria provided, single submitter. Criteria: Sema4 Curation Guidelines. Collection method: curation. Allele origin: germline.

PreventionGenetics, part of Exact Sciences
Classification: Likely benign for CEBPA-related condition. Last evaluated: 2021-07-04. Review status: no assertion criteria provided. Collection method: clinical testing. Allele origin: germline. Not counted in ClinVar's aggregate classification.
Comment: This variant is classified as likely benign based on ACMG/AMP sequence variant interpretation guidelines (Richards et al. 2015 PMID: 25741868, with internal and published modifications).

NM_004364.5(CEBPA):c.333G>T (p.Ala111=)

Gene: CEBPA (CCAAT enhancer binding protein alpha; minus strand). Cytogenetic location: 19q13.11.
Variant type: single nucleotide variant.
Coding change: c.333G>T on transcript NM_004364.5 (MANE Select); coding-DNA position 333, G replaced by T.
Protein change: p.Ala111=; no amino-acid change (alanine 111 retained).
Molecular consequence: synonymous variant. On other transcripts: 5 prime UTR variant (1).
Genome position (GRCh38, 1-based): chr19:33,302,082, C>A on the plus strand (G>T on the coding strand, the complement: CEBPA is on the minus strand). VCF-style: chr19-33302082-C-A. GRCh37 (hg19) VCF-style: chr19-33792988-C-A.
Other names: c.-25G>T (NM_001285829.2); c.438G>T, p.Ala146= (NM_001287424.2); c.291G>T, p.Ala97= (NM_001287435.2); c.333G>T (NM_004364.4).
Identifiers: ClinVar variation 1692805 (VCV001692805.8), dbSNP rs2145262901, ClinGen allele CA507007247.